The following is an entry in ClinVar:

ClinVar aggregate classification (germline): Benign/Likely benign. Review status: criteria provided, multiple submitters, no conflicts (2 of 4 stars). 6 submissions from 6 submitters: Benign (1); Likely benign (2). 3 of the submissions do not count toward it. Last evaluated 2026-01-31.

Conditions:
HAND1-related disorder. Also called: HAND1-related condition.
Hypoplastic left heart syndrome. Also called: Hypoplastic left heart; Hypoplastic left ventricle. Identifiers: Orphanet 2248, MedGen C0152101, MONDO:0004933, HP:0004383.

Allele frequency attached by ClinVar (database versions not stated): 1000 Genomes Project 30x 0.00047; 1000 Genomes Project 0.00060; TOPMed 0.00097; ESP Exome Variant Server 0.00131; gnomAD exomes 0.00145 and 0.00173; ExAC 0.00167; gnomAD 0.00170 and 0.00175.

Submissions (6):

Labcorp Genetics (formerly Invitae), Labcorp
Classification: Benign for Hypoplastic left heart syndrome. Last evaluated: 2026-01-31. Review status: criteria provided, single submitter. Criteria: Invitae Variant Classification Sherloc (09022015). Collection method: clinical testing. Allele origin: germline.

Blueprint Genetics
Classification: Likely benign. Last evaluated: 2024-11-26. Review status: criteria provided, single submitter. Criteria: ACMG Guidelines, 2015. Collection method: clinical testing. Allele origin: germline.

Genomic Diagnostic Laboratory, Division of Genomic Diagnostics, Children's Hospital of Philadelphia
Classification: Likely benign. Last evaluated: 2015-11-10. Review status: criteria provided, single submitter. Criteria: DGD Variant Analysis Guidelines. Collection method: clinical testing. Allele origin: unknown.

PreventionGenetics, part of Exact Sciences
Classification: Likely benign for HAND1-related condition. Last evaluated: 2020-08-03. Review status: no assertion criteria provided. Collection method: clinical testing. Allele origin: germline. Not counted in ClinVar's aggregate classification.
Comment: This variant is classified as likely benign based on ACMG/AMP sequence variant interpretation guidelines (Richards et al. 2015 PMID: 25741868, with internal and published modifications).

Genome Diagnostics Laboratory, University Medical Center Utrecht
Classification: Likely benign. Review status: no assertion criteria provided. Collection method: clinical testing. Allele origin: germline. Affected: yes. Study: VKGL Data-share Consensus. Not counted in ClinVar's aggregate classification.

Joint Genome Diagnostic Labs from Nijmegen and Maastricht, Radboudumc and MUMC+
Classification: Likely benign. Review status: no assertion criteria provided. Collection method: clinical testing. Allele origin: germline. Affected: yes. Study: VKGL Data-share Consensus. Not counted in ClinVar's aggregate classification.

NM_004821.3(HAND1):c.247G>T (p.Gly83Trp)

Gene: HAND1 (heart and neural crest derivatives expressed 1; minus strand). Cytogenetic location: 5q33.2.
Variant type: single nucleotide variant.
Coding change: c.247G>T on transcript NM_004821.3 (MANE Select); coding-DNA position 247, G replaced by T.
Protein change: p.Gly83Trp; replaces glycine 83 with tryptophan.
Molecular consequence: missense variant.
Genome position (GRCh38, 1-based): chr5:154,477,762, C>A on the plus strand (G>T on the coding strand, the complement: HAND1 is on the minus strand). VCF-style: chr5-154477762-C-A. GRCh37 (hg19) VCF-style: chr5-153857322-C-A.
Other names: short protein forms G83W.
Identifiers: ClinVar variation 252637 (VCV000252637.19), dbSNP rs201302313, ClinGen allele CA3526593.